The following is an entry in ClinVar:

NM_203447.4(DOCK8):c.3826G>A (p.Val1276Met)

Gene: DOCK8 (dedicator of cytokinesis 8; plus strand). Cytogenetic location: 9p24.3.
Variant type: single nucleotide variant.
Coding change: c.3826G>A on transcript NM_203447.4 (MANE Select); coding-DNA position 3826, G replaced by A.
Protein change: p.Val1276Met; replaces valine 1276 with methionine.
Molecular consequence: missense variant.
Genome position (GRCh38, 1-based): chr9:418,193, G>A. VCF-style: chr9-418193-G-A. GRCh37 (hg19) VCF-style: chr9-418193-G-A.
Other names: c.3526G>A, p.Val1176Met (NM_001190458.2); c.3622G>A, p.Val1208Met (NM_001193536.2); short protein forms V1176M, V1276M, V1208M.
Identifiers: ClinVar variation 860877 (VCV000860877.14), dbSNP rs148796842, ClinGen allele CA372762467.

ClinVar aggregate classification (germline): Uncertain significance (1 of 4 stars; one submission).

Conditions:
Combined immunodeficiency due to DOCK8 deficiency (HIES2). Also called: HIES autosomal recessive; DOCK8 Deficiency; Hyper-IgE recurrent infection syndrome, autosomal recessive; HYPER-IgE RECURRENT INFECTION SYNDROME 2, AUTOSOMAL RECESSIVE; HYPER-IgE SYNDROME 2, AUTOSOMAL RECESSIVE, WITH RECURRENT INFECTIONS. Identifiers: Orphanet 217390, MedGen C4722305, MONDO:0009478, OMIM 243700.

gnomAD v4.1: 1 of 1,614,202 alleles (0.000062%); highest among the groups gnomAD compares: South Asian, 0.0011%; no homozygotes.

Submission:

Labcorp Genetics (formerly Invitae), Labcorp
Classification: Uncertain significance for Combined immunodeficiency due to DOCK8 deficiency. Last evaluated: 2019-12-15. Review status: criteria provided, single submitter. Criteria: Invitae Variant Classification Sherloc (09022015). Collection method: clinical testing. Allele origin: germline.
Comment: This variant has not been reported in the literature in individuals with DOCK8-related conditions. Algorithms developed to predict the effect of missense changes on protein structure and function output the following: SIFT: "Tolerated"; PolyPhen-2: "Benign"; Align-GVGD: "Class C0". The methionine amino acid residue is found in multiple mammalian species, suggesting that this missense change does not adversely affect protein function. These predictions have not been confirmed by published functional studies and their clinical significance is uncertain. This sequence change replaces valine with methionine at codon 1276 of the DOCK8 protein (p.Val1276Met). The valine residue is weakly conserved and there is a small physicochemical difference between valine and methionine. This variant is not present in population databases (ExAC no frequency). In summary, the available evidence is currently insufficient to determine the role of this variant in disease. Therefore, it has been classified as a Variant of Uncertain Significance.